The following is an entry in ClinVar:

ClinVar aggregate classification (germline): Uncertain significance (1 of 4 stars; one submission).

Conditions:
Malignant hyperthermia, susceptibility to, 1 (MHS1). Also called: Anesthesia related hyperthermia; Malignant hyperpyrexia; Fulminating hyperpyrexia; Pharmacogenic myopathy; RYR1-Related Malignant Hyperthermia Susceptibility; Malignant hyperthermia suceptibility 1. Identifiers: Orphanet 423, MedGen C2930980, MONDO:0007783, OMIM 145600.

Allele frequency attached by ClinVar (database versions not stated): gnomAD exomes below 0.00001.
gnomAD v4.1: 2 of 1,597,514 alleles (0.00013%); highest among the groups gnomAD compares: East Asian, 0.0022%; no homozygotes.

Submission:

All of Us Research Program, National Institutes of Health
Classification: Uncertain significance for Malignant hyperthermia, susceptibility to, 1. Last evaluated: 2023-05-31. Review status: criteria provided, single submitter. Criteria: ACMG Guidelines, 2015. Collection method: clinical testing. Allele origin: germline. Inheritance: Autosomal dominant inheritance. Observed: 1 variant allele, 1 heterozygote.
Comment: This study involves interpretation of variants in research participants for the purpose of population health screening. Participant phenotype was not available at the time of variant classification. Additional details can be found in publication PMID: 35346344, PMCID: PMC8962531

NM_000540.3(RYR1):c.1787A>G (p.His596Arg)

Gene: RYR1 (ryanodine receptor 1; plus strand). Cytogenetic location: 19q13.2.
Variant type: single nucleotide variant.
Coding change: c.1787A>G on transcript NM_000540.3 (MANE Select); coding-DNA position 1787, A replaced by G.
Protein change: p.His596Arg; replaces histidine 596 with arginine.
Molecular consequence: missense variant.
Genome position (GRCh38, 1-based): chr19:38,455,747, A>G. VCF-style: chr19-38455747-A-G. GRCh37 (hg19) VCF-style: chr19-38946387-A-G.
Other names: c.1787A>G, p.His596Arg (NM_001042723.2); short protein forms H596R.
Identifiers: ClinVar variation 3071408 (VCV003071408.1), dbSNP rs2514028350, ClinGen allele CA405691954.
Genomic context (GRCh38, chr19:38,455,747, plus strand): 5'-TCATCCAGGAGAATCACATCAAGTCCATCATCTCCCTCCTGGACAAGCATGGGAGGAACC[A>G]CAAGGTCGGCCCCTCACCCCTGACCTCTCATCCCCTGAACTCTGAATGCTGGCCTCTCCC-3'
Protein context (NP_000531.2, residues 586-606): ISLLDKHGRN[His596Arg]KVLDVLCSLC